The following is an entry in ClinVar:

ClinVar aggregate classification (germline): Likely benign. Review status: criteria provided, multiple submitters, no conflicts (2 of 4 stars). 3 submissions from 3 submitters: Likely benign (3). Last evaluated 2025-05-16.

Conditions:
Inborn genetic diseases. Identifiers: MedGen C0950123, MeSH D030342.
Wilms tumor 1 (WT1). Also called: Wilms tumor, somatic. Identifiers: Orphanet 654, MedGen CN033288, MONDO:0008679, OMIM 194070.
11p partial monosomy syndrome (WAGR). Also called: WAGR Spectrum Disorder; CHROMOSOME 11p13 DELETION SYNDROME; WAGR syndrome; WAGR Complex. Identifiers: Orphanet 893, MedGen C0206115, MONDO:0008681, OMIM 194072.
Drash syndrome (DDS). Also called: WILMS TUMOR AND PSEUDO- OR TRUE HERMAPHRODITISM; NEPHROPATHY, WILMS TUMOR, AND GENITAL ANOMALIES. Identifiers: Orphanet 220, MedGen C0950121, MONDO:0008682, OMIM 194080.
Frasier syndrome. Identifiers: Orphanet 347, MedGen C0950122, MeSH D052159, MONDO:0007635, OMIM 136680.

Allele frequency attached by ClinVar (database versions not stated): TOPMed below 0.00001; gnomAD 0.00001; gnomAD exomes 0.00001.
gnomAD v4.1: 6 of 1,534,000 alleles (0.00039%); highest among the groups gnomAD compares: Non-Finnish European, 0.00052%; no homozygotes.

Submissions (3):

Ambry Genetics
Classification: Likely benign for Inborn genetic diseases. Last evaluated: 2025-05-16. Review status: criteria provided, single submitter. Criteria: Ambry Variant Classification Scheme 2023. Collection method: clinical testing. Allele origin: germline.

All of Us Research Program, National Institutes of Health
Classification: Likely benign for Wilms tumor 1. Last evaluated: 2023-10-30. Review status: criteria provided, single submitter. Criteria: ACMG Guidelines, 2015. Collection method: clinical testing. Allele origin: germline. Inheritance: Autosomal dominant inheritance. Observed: 3 variant alleles, 3 heterozygotes.
Comment: This study involves interpretation of variants in research participants for the purpose of population health screening. Participant phenotype was not available at the time of variant classification. Additional details can be found in publication PMID: 35346344, PMCID: PMC8962531

Labcorp Genetics (formerly Invitae), Labcorp
Classification: Likely benign for Wilms tumor 1; Drash syndrome; 11p partial monosomy syndrome; Frasier syndrome. Last evaluated: 2023-07-19. Review status: criteria provided, single submitter. Criteria: Invitae Variant Classification Sherloc (09022015). Collection method: clinical testing. Allele origin: germline.

NM_024426.6(WT1):c.81T>C (p.Pro27=)

Genes: WT1 (WT1 transcription factor; minus strand), LOC107982234 (WT1/WT1-AS bi-directional promoter region; plus strand). Cytogenetic location: 11p13.
Variant type: single nucleotide variant.
Coding change: c.81T>C on transcript NM_024426.6 (MANE Select); coding-DNA position 81, T replaced by C.
Protein change: p.Pro27=; no amino-acid change (proline 27 retained).
Molecular consequence: synonymous variant. On other transcripts: non-coding transcript variant (1).
Genome position (GRCh38, 1-based): chr11:32,435,280, A>G on the plus strand (T>C on the coding strand, the complement: WT1 is on the minus strand). VCF-style: chr11-32435280-A-G. GRCh37 (hg19) VCF-style: chr11-32456826-A-G.
Other names: c.66T>C (NM_024426.4); c.81T>C, p.Pro27= (NM_000378.6, NM_024424.5).
Identifiers: ClinVar variation 1559545 (VCV001559545.10), dbSNP rs755007049, ClinGen allele CA065462.